The following is an entry in ClinVar:

NM_003239.5(TGFB3):c.436del (p.Leu146fs)

Gene: TGFB3 (transforming growth factor beta 3; minus strand). Cytogenetic location: 14q24.3.
Variant type: Deletion.
Coding change: c.436del on transcript NM_003239.5 (MANE Select); coding-DNA position 436, one base deleted (C; older notation c.436delC).
Protein change: p.Leu146fs; shifts the reading frame from leucine 146.
Molecular consequence: frameshift variant.
Genome position (GRCh38, 1-based): chr14:75,971,635, G deleted on the plus strand (C on the coding strand, the reverse complement: TGFB3 is on the minus strand); the first of 2 consecutive G bases (chr14:75,971,635-75,971,636); deleting either gives the same sequence. VCF-style (leftmost placement, unchanged base first): chr14-75971634-AG-A. GRCh37 (hg19) VCF-style: chr14-76437977-AG-A.
Other names: c.436del, p.Leu146fs (NM_001329938.2, NM_001329939.2); short protein forms L146fs.
Identifiers: ClinVar variation 1453884 (VCV001453884.6), dbSNP rs2140245836, ClinGen allele CA2573150226.

ClinVar aggregate classification (germline): Pathogenic (1 of 4 stars; one submission).

Conditions:
Rienhoff syndrome. Also called: LOEYS-DIETZ SYNDROME 5. Identifiers: MedGen C3810012, MONDO:0014262, OMIM 615582.

Submission:

Labcorp Genetics (formerly Invitae), Labcorp
Classification: Pathogenic for Rienhoff syndrome. Last evaluated: 2022-03-18. Review status: criteria provided, single submitter. Criteria: Invitae Variant Classification Sherloc (09022015). Collection method: clinical testing. Allele origin: germline.
Comment: This premature translational stop signal has been observed in individual(s) with clinical features of TGFB3-related conditions (PMID: 29392890). For these reasons, this variant has been classified as Pathogenic. This variant is not present in population databases (gnomAD no frequency). This sequence change creates a premature translational stop signal (p.Leu146Tyrfs*68) in the TGFB3 gene. It is expected to result in an absent or disrupted protein product. Loss-of-function variants in TGFB3 are known to be pathogenic (PMID: 25835445, 26188975).

Literature cited by the submitters: PubMed 29392890; PubMed 25835445; PubMed 26188975.